The following is an entry in ClinVar:

NM_206933.4(USH2A):c.14565del (p.Asn4856fs)

Gene: USH2A (usherin; minus strand). Cytogenetic location: 1q41.
Variant type: Deletion.
Coding change: c.14565del on transcript NM_206933.4 (MANE Select); coding-DNA position 14565, one base deleted (C; older notation c.14565delC).
Protein change: p.Asn4856fs; shifts the reading frame from asparagine 4856.
Molecular consequence: frameshift variant.
Genome position (GRCh38, 1-based): chr1:215,648,545, G deleted on the plus strand (C on the coding strand, the reverse complement: USH2A is on the minus strand); the first of 4 consecutive G bases (chr1:215,648,545-215,648,548); deleting any one gives the same sequence. VCF-style (leftmost placement, unchanged base first): chr1-215648544-TG-T. GRCh37 (hg19) VCF-style: chr1-215821886-TG-T.
Other names: short protein forms N4856fs.
Identifiers: ClinVar variation 2910132 (VCV002910132.3), dbSNP rs2464815303, ClinGen allele CA2586968103.

ClinVar aggregate classification (germline): Pathogenic (1 of 4 stars; one submission).

Submission:

Labcorp Genetics (formerly Invitae), Labcorp
Classification: Pathogenic. Last evaluated: 2023-05-20. Review status: criteria provided, single submitter. Criteria: Invitae Variant Classification Sherloc (09022015). Collection method: clinical testing. Allele origin: germline.
Comment: For these reasons, this variant has been classified as Pathogenic. This premature translational stop signal has been observed in individual(s) with USH2A-related conditions (PMID: 30337596). This variant is not present in population databases (gnomAD no frequency). This sequence change creates a premature translational stop signal (p.Asn4856Metfs*28) in the USH2A gene. It is expected to result in an absent or disrupted protein product. Loss-of-function variants in USH2A are known to be pathogenic (PMID: 10729113, 10909849, 20507924, 25649381).

Literature cited by the submitters: PubMed 30337596; PubMed 10729113; PubMed 10909849; PubMed 20507924; PubMed 25649381.